The following is an entry in ClinVar:

NM_001042492.3(NF1):c.1805_1807del (p.Glu602_Ile603delinsVal)

Gene: NF1 (neurofibromin 1; plus strand). Cytogenetic location: 17q11.2.
Variant type: Deletion.
Coding change: c.1805_1807del on transcript NM_001042492.3 (MANE Select); coding-DNA positions 1805 to 1807, 3 bases deleted (AAA; older notation c.1805_1807delAAA).
Protein change: p.Glu602_Ile603delinsVal.
Molecular consequence: inframe indel.
Genome position (GRCh38, 1-based): chr17:31,223,527-31,223,529, AAA deleted. VCF-style (leftmost placement, unchanged base first): chr17-31223526-GAAA-G. GRCh37 (hg19) VCF-style: chr17-29550544-GAAA-G.
Other names: c.1805_1807delAAA, p.Glu602_Ile603delinsVal (NM_000267.4).
Identifiers: ClinVar variation 2576865 (VCV002576865.2), dbSNP rs2508126300, ClinGen allele CA2580614081.

ClinVar aggregate classification (germline): Likely pathogenic. Review status: criteria provided, multiple submitters, no conflicts (2 of 4 stars). 2 submissions from 2 submitters: Likely pathogenic (2). Last evaluated 2024-07-31.

Conditions:
Neurofibromatosis, type 1 (NF1). Also called: VON RECKLINGHAUSEN DISEASE; Peripheral type neurofibromatosis; NEUROFIBROMATOSIS, TYPE I, SOMATIC; Neurofibromatosis, type I. Identifiers: Orphanet 636, MedGen C0027831, MONDO:0018975, OMIM 162200. Disease mechanism: loss of function.

Submissions (2):

New York Genome Center
Classification: Likely pathogenic for Neurofibromatosis, type 1. Last evaluated: 2024-07-31. Review status: criteria provided, single submitter. Criteria: NYGC Assertion Criteria 2020. Collection method: clinical testing. Allele origin: inherited. Observed: 1 variant allele, 1 heterozygote.
Comment: The c.1805_1807del variant in NF1 has not previously been reported in the literature. The variant is present in ClinVar (ID: 2576865); however, the possibility of that submission belonging to this family cannot be excluded. The c.1805_1807del variant is absent from the gnomAD v4.1.0 database, suggesting it is not a common benign variant in the populations represented in that database. The c.1805_1807del variant in NF1 is located in exon 16 of this 58-exon gene, and predicted to result in removal of two highly conserved glutamate and isoleucine amino acids at positions 602 and 603, respectively, and insertion of valine amino acid (p.(Glu602_Ile603delinsVal)) within a non-specific non-repeat region of the encoded protein (UniProt ID: P21359). A missense variant affecting the p.Ile603 residue (c.1808T>G p.(Ile603Arg)) has been reported in individuals with clinical NF1 diagnosis (PMID: 27322474, 33877690). Based on available evidence this inherited heterozygous c.1805_1807del, p.(Glu602_Ile603delinsVal) variant identified in NF1 in this sample is classified here as Likely Pathogenic.

GeneDx
Classification: Likely pathogenic. Last evaluated: 2023-07-26. Review status: criteria provided, single submitter. Criteria: GeneDx Variant Classification Process June 2021. Collection method: clinical testing. Allele origin: germline. Affected: yes.
Comment: Segregates with disease in individuals with clinical diagnoses of neurofibromatosis type 1 from a single family referred for genetic testing at GeneDx; In-frame deletion replacing 2 amino acid codons with another in a non-repeat region; In silico analysis supports that this variant does not alter protein structure/function; Has not been previously published as pathogenic or benign to our knowledge; Not observed at significant frequency in large population cohorts (gnomAD); This variant is associated with the following publications: (PMID: 25486365)